The following is an entry in ClinVar:

NM_000254.3(MTR):c.452A>G (p.Lys151Arg)

Gene: MTR (5-methyltetrahydrofolate-homocysteine methyltransferase; plus strand). Cytogenetic location: 1q43.
Variant type: single nucleotide variant.
Coding change: c.452A>G on transcript NM_000254.3 (MANE Select); coding-DNA position 452, A replaced by G.
Protein change: p.Lys151Arg; replaces lysine 151 with arginine.
Molecular consequence: missense variant. On other transcripts: 5 prime UTR variant (1).
Genome position (GRCh38, 1-based): chr1:236,810,545, A>G. VCF-style: chr1-236810545-A-G. GRCh37 (hg19) VCF-style: chr1-236973845-A-G.
Other names: c.452A>G, p.Lys151Arg (NM_001291939.1); c.-657A>G (NM_001291940.2); short protein forms K151R.
Identifiers: ClinVar variation 1432344 (VCV001432344.8), dbSNP rs2103039190, ClinGen allele CA345382980.

ClinVar aggregate classification (germline): Uncertain significance (1 of 4 stars; one submission).

Conditions:
Methylcobalamin deficiency type cblG (HMAG). Also called: HOMOCYSTINURIA-MEGALOBLASTIC ANEMIA, cblG COMPLEMENTATION TYPE; Functional methionine synthase deficiency type cblG; HOMOCYSTINURIA-MEGALOBLASTIC ANEMIA, cblG TYPE; HOMOCYSTINURIA-MEGALOBLASTIC ANEMIA DUE TO DEFECT IN COBALAMIN METABOLISM, cblG COMPLEMENTATION TYPE. Identifiers: Orphanet 2170, Orphanet 622, MedGen C1855128, MONDO:0009609, OMIM 250940.

Allele frequency attached by ClinVar (database versions not stated): gnomAD exomes below 0.00001.
gnomAD v4.1: 1 of 1,613,926 alleles (0.000062%); highest among the groups gnomAD compares: Non-Finnish European, 0.000085%; no homozygotes.

Submission:

Labcorp Genetics (formerly Invitae), Labcorp
Classification: Uncertain significance for Methylcobalamin deficiency type cblG. Last evaluated: 2024-11-11. Review status: criteria provided, single submitter. Criteria: Invitae Variant Classification Sherloc (09022015). Collection method: clinical testing. Allele origin: germline.
Comment: This sequence change replaces lysine, which is basic and polar, with arginine, which is basic and polar, at codon 151 of the MTR protein (p.Lys151Arg). This variant is not present in population databases (gnomAD no frequency). This variant has not been reported in the literature in individuals affected with MTR-related conditions. ClinVar contains an entry for this variant (Variation ID: 1432344). Invitae Evidence Modeling of protein sequence and biophysical properties (such as structural, functional, and spatial information, amino acid conservation, physicochemical variation, residue mobility, and thermodynamic stability) indicates that this missense variant is not expected to disrupt MTR protein function with a negative predictive value of 95%. In summary, the available evidence is currently insufficient to determine the role of this variant in disease. Therefore, it has been classified as a Variant of Uncertain Significance.